The following is an entry in ClinVar:

ClinVar aggregate classification (germline): Likely benign (1 of 4 stars; one submission).

Conditions:
Catecholaminergic polymorphic ventricular tachycardia (CVPT). Also called: Catecholamine-induced polymorphic ventricular tachycardia. Identifiers: Orphanet 3286, MedGen C5574922, MONDO:0017990.

Submission:

All of Us Research Program, National Institutes of Health
Classification: Likely benign for Catecholaminergic polymorphic ventricular tachycardia. Last evaluated: 2023-05-16. Review status: criteria provided, single submitter. Criteria: ACMG Guidelines, 2015. Collection method: clinical testing. Allele origin: germline. Inheritance: Autosomal dominant inheritance. Observed: 1 variant allele, 1 heterozygote.
Comment: This study involves interpretation of variants in research participants for the purpose of population health screening. Participant phenotype was not available at the time of variant classification. Additional details can be found in publication PMID: 35346344, PMCID: PMC8962531

NM_001035.3(RYR2):c.14152-6T>C

Gene: RYR2 (ryanodine receptor 2; plus strand). Cytogenetic location: 1q43.
Variant type: single nucleotide variant.
Coding change: c.14152-6T>C on transcript NM_001035.3 (MANE Select); 6 bases into the intron before coding-DNA position 14152, T replaced by C.
Molecular consequence: intron variant.
Genome position (GRCh38, 1-based): chr1:237,806,131, T>C. VCF-style: chr1-237806131-T-C. GRCh37 (hg19) VCF-style: chr1-237969431-T-C.
Identifiers: ClinVar variation 3071175 (VCV003071175.1), dbSNP rs2528136519, ClinGen allele CA2825000937.